The following is an entry in ClinVar:

ClinVar aggregate classification (germline): Uncertain significance (1 of 4 stars; one submission).

gnomAD v4.1: 4 of 1,558,980 alleles (0.00026%); highest among the groups gnomAD compares: East Asian, 0.009%; no homozygotes.

Submission:

Labcorp Genetics (formerly Invitae), Labcorp
Classification: Uncertain significance. Last evaluated: 2024-04-10. Review status: criteria provided, single submitter. Criteria: Invitae Variant Classification Sherloc (09022015). Collection method: clinical testing. Allele origin: germline.
Comment: This sequence change falls in intron 4 of the CHD8 gene. It does not directly change the encoded amino acid sequence of the CHD8 protein. It affects a nucleotide within the consensus splice site. This variant is present in population databases (rs747732880, gnomAD 0.03%). This variant has not been reported in the literature in individuals affected with CHD8-related conditions. Variants that disrupt the consensus splice site are a relatively common cause of aberrant splicing (PMID: 17576681, 9536098). Algorithms developed to predict the effect of sequence changes on RNA splicing suggest that this variant is not likely to affect RNA splicing. In summary, the available evidence is currently insufficient to determine the role of this variant in disease. Therefore, it has been classified as a Variant of Uncertain Significance.

Literature cited by the submitters: PubMed 17576681; PubMed 9536098.

NM_001170629.2(CHD8):c.1716+5A>G

Gene: CHD8 (chromodomain helicase DNA binding protein 8; minus strand). Cytogenetic location: 14q11.2.
Variant type: single nucleotide variant.
Coding change: c.1716+5A>G on transcript NM_001170629.2 (MANE Select); 5 bases into the intron after coding-DNA position 1716, A replaced by G.
Molecular consequence: intron variant.
Genome position (GRCh38, 1-based): chr14:21,426,123, T>C on the plus strand (A>G on the coding strand, the complement: CHD8 is on the minus strand). VCF-style: chr14-21426123-T-C. GRCh37 (hg19) VCF-style: chr14-21894282-T-C.
Other names: c.879+5A>G (NM_020920.4).
Identifiers: ClinVar variation 3696591 (VCV003696591.2).
Genomic context (GRCh38, chr14:21,426,123, plus strand): 5'-GCTTGGCTTGGTTAGCCATAATTAAACATGGTTTTTTCTACTAAATTCTTTTGGGATCCT[T>C]TTACCTGAATGCTGCTTTCTTCATCTTCTCGAGGTGACTGTGCAGGCATGACTTCCACAT-3'